The following is an entry in ClinVar:

NM_015662.3(IFT172):c.1646G>C (p.Trp549Ser)

Gene: IFT172 (intraflagellar transport 172; minus strand). Cytogenetic location: 2p23.3.
Variant type: single nucleotide variant.
Coding change: c.1646G>C on transcript NM_015662.3 (MANE Select); coding-DNA position 1646, G replaced by C.
Protein change: p.Trp549Ser; replaces tryptophan 549 with serine.
Molecular consequence: missense variant.
Genome position (GRCh38, 1-based): chr2:27,470,974, C>G on the plus strand (G>C on the coding strand, the complement: IFT172 is on the minus strand). VCF-style: chr2-27470974-C-G. GRCh37 (hg19) VCF-style: chr2-27693841-C-G.
Other names: c.1580G>C, p.Trp527Ser (NM_001410739.1); short protein forms W549S, W527S.
Identifiers: ClinVar variation 2114560 (VCV002114560.5), dbSNP rs1297668400, ClinGen allele CA346389751.

ClinVar aggregate classification (germline): Uncertain significance. Review status: criteria provided, multiple submitters, no conflicts (2 of 4 stars). 3 submissions from 3 submitters: Uncertain significance (2). 1 of the submissions does not count toward it. Last evaluated 2024-03-13.

Conditions:
Retinal dystrophy. Also called: Inherited retinal dystrophy. Identifiers: Orphanet 71862, MedGen C0854723, MeSH D058499, MONDO:0019118, HP:0000556.
Short-rib thoracic dysplasia 10 with or without polydactyly (SRTD10). Identifiers: Orphanet 474, MedGen C3810175, MONDO:0014284, OMIM 615630.
Retinitis pigmentosa 71 (RP71). Identifiers: Orphanet 791, MedGen C4225342, MONDO:0014618, OMIM 616394.
Bardet-Biedl syndrome 20. Identifiers: MedGen C4310707, MONDO:0023670, OMIM 619471, MONDO:0014926.

Allele frequency attached by ClinVar (database versions not stated): TOPMed below 0.00001.

Submissions (3):

Fulgent Genetics
Classification: Uncertain significance for Short-rib thoracic dysplasia 10 with or without polydactyly; Retinitis pigmentosa 71; Bardet-Biedl syndrome 20. Last evaluated: 2024-03-13. Review status: criteria provided, single submitter. Criteria: ACMG Guidelines, 2015. Collection method: clinical testing. Allele origin: germline.

Labcorp Genetics (formerly Invitae), Labcorp
Classification: Uncertain significance for Retinitis pigmentosa 71; Short-rib thoracic dysplasia 10 with or without polydactyly. Last evaluated: 2022-03-19. Review status: criteria provided, single submitter. Criteria: Invitae Variant Classification Sherloc (09022015). Collection method: clinical testing. Allele origin: germline.
Comment: Algorithms developed to predict the effect of missense changes on protein structure and function are either unavailable or do not agree on the potential impact of this missense change (SIFT: "Deleterious"; PolyPhen-2: "Probably Damaging"; Align-GVGD: "Class C0"). This variant has not been reported in the literature in individuals affected with IFT172-related conditions. This variant is not present in population databases (gnomAD no frequency). This sequence change replaces tryptophan, which is neutral and slightly polar, with serine, which is neutral and polar, at codon 549 of the IFT172 protein (p.Trp549Ser). In summary, the available evidence is currently insufficient to determine the role of this variant in disease. Therefore, it has been classified as a Variant of Uncertain Significance.

Institute of Human Genetics, Univ. Regensburg, Univ. Regensburg
Classification: Uncertain significance for Retinal dystrophy. Last evaluated: 2022-01-01. Review status: no assertion criteria provided. Criteria: ACMG Guidelines, 2015. Collection method: clinical testing. Allele origin: germline. Affected: yes. Not counted in ClinVar's aggregate classification.